The following is an entry in ClinVar:

NM_015693.4(INTU):c.1189C>T (p.Leu397Phe)

Gene: INTU (inturned planar cell polarity protein; plus strand). Cytogenetic location: 4q28.1.
Variant type: single nucleotide variant.
Coding change: c.1189C>T on transcript NM_015693.4 (MANE Select); coding-DNA position 1189, C replaced by T.
Protein change: p.Leu397Phe; replaces leucine 397 with phenylalanine.
Molecular consequence: missense variant.
Genome position (GRCh38, 1-based): chr4:127,684,416, C>T. VCF-style: chr4-127684416-C-T. GRCh37 (hg19) VCF-style: chr4-128605571-C-T.
Other names: short protein forms L397F.
Identifiers: ClinVar variation 4697238 (VCV004697238.1).
Genomic context (GRCh38, chr4:127,684,416, plus strand): 5'-TAAATGTCATTTGATTATGTTGTAAATTAATACGTGTAATTTTGCTTTTTTAGAGTTCCT[C>T]TTCCTCGTCTAAGGAACATGATAGAAAATGTCATCCAAACCTTAAAATTTATGTATGGTT-3'
Protein context (NP_056508.2, residues 387-407): LIGLPAEEVP[Leu397Phe]PRLRNMIENV

ClinVar aggregate classification (germline): Uncertain significance (1 of 4 stars; one submission).

gnomAD v4.1: 9 of 1,593,590 alleles (0.00056%); highest among the groups gnomAD compares: Admixed American, 0.012%; no homozygotes.

Submission:

Labcorp Genetics (formerly Invitae), Labcorp
Classification: Uncertain significance. Last evaluated: 2025-06-20. Review status: criteria provided, single submitter. Criteria: Invitae Variant Classification Sherloc (09022015). Collection method: clinical testing. Allele origin: germline.
Comment: This sequence change replaces leucine, which is neutral and non-polar, with phenylalanine, which is neutral and non-polar, at codon 397 of the INTU protein (p.Leu397Phe). This variant is not present in population databases (gnomAD no frequency). This variant has not been reported in the literature in individuals affected with INTU-related conditions. Invitae Evidence Modeling of protein sequence and biophysical properties (such as structural, functional, and spatial information, amino acid conservation, physicochemical variation, residue mobility, and thermodynamic stability) indicates that this missense variant is expected to disrupt INTU protein function with a positive predictive value of 80%. In summary, the available evidence is currently insufficient to determine the role of this variant in disease. Therefore, it has been classified as a Variant of Uncertain Significance.